The following is an entry in ClinVar:

NM_032856.5(WDR73):c.1046G>A (p.Trp349Ter)

Gene: WDR73 (WD repeat domain 73; minus strand). Cytogenetic location: 15q25.2.
Variant type: single nucleotide variant.
Coding change: c.1046G>A on transcript NM_032856.5 (MANE Select); coding-DNA position 1046, G replaced by A.
Protein change: p.Trp349Ter; replaces tryptophan 349 with a stop codon.
Molecular consequence: nonsense. On other transcripts: non-coding transcript variant (4).
Genome position (GRCh38, 1-based): chr15:84,643,561, C>T on the plus strand (G>A on the coding strand, the complement: WDR73 is on the minus strand). VCF-style: chr15-84643561-C-T. GRCh37 (hg19) VCF-style: chr15-85186792-C-T.
Other names: short protein forms W349*.
Identifiers: ClinVar variation 620573 (VCV000620573.1), dbSNP rs755655527, ClinGen allele CA393351333.

ClinVar aggregate classification (germline): Likely pathogenic (1 of 4 stars; one submission).

Submission:

GeneDx
Classification: Likely pathogenic. Last evaluated: 2019-01-31. Review status: criteria provided, single submitter. Criteria: GeneDx Variant Classification (06012015). Collection method: clinical testing. Allele origin: germline. Affected: yes.
Comment: The W349X variant in the WDR73 gene has not been reported previously as a pathogenic variant nor as a benign variant, to our knowledge. This variant is predicted to cause loss of normal protein function through protein truncation. The W349X variant is not observed in large population cohorts (Lek et al., 2016). We interpret W349X as a likely pathogenic variant.